The following is an entry in ClinVar:

NM_000465.4(BARD1):c.747C>A (p.Ile249=)

Gene: BARD1 (BRCA1 associated RING domain 1; minus strand). Cytogenetic location: 2q35.
Variant type: single nucleotide variant.
Coding change: c.747C>A on transcript NM_000465.4 (MANE Select); coding-DNA position 747, C replaced by A.
Protein change: p.Ile249=; no amino-acid change (isoleucine 249 retained).
Molecular consequence: synonymous variant. On other transcripts: non-coding transcript variant (2), intron variant (3).
Genome position (GRCh38, 1-based): chr2:214,781,127, G>T on the plus strand (C>A on the coding strand, the complement: BARD1 is on the minus strand). VCF-style: chr2-214781127-G-T. GRCh37 (hg19) VCF-style: chr2-215645851-G-T.
Other names: c.690C>A, p.Ile230= (NM_001282543.2); c.158+28285C>A (NM_001282548.2); c.215+15934C>A (NM_001282545.2); c.364+11170C>A (NM_001282549.2).
Identifiers: ClinVar variation 1759093 (VCV001759093.3), dbSNP rs746551077, ClinGen allele CA2090386.

ClinVar aggregate classification (germline): Benign/Likely benign. Review status: criteria provided, multiple submitters, no conflicts (2 of 4 stars). 2 submissions from 2 submitters: Benign (1); Likely benign (1). Last evaluated 2024-07-22.

Conditions:
Hereditary cancer-predisposing syndrome. Also called: Neoplastic Syndromes, Hereditary; Tumor predisposition; Hereditary Cancer Syndrome; Hereditary neoplastic syndrome. Identifiers: Orphanet 140162, MedGen C0027672, MeSH D009386, MONDO:0015356.
Familial cancer of breast. Also called: Hereditary breast cancer; BREAST CANCER, FAMILIAL; hereditary breast carcinoma. Identifiers: Orphanet 227535, MedGen C0346153, MONDO:0016419, OMIM 114480. Disease mechanism: loss of function.

gnomAD v4.1: 3 of 1,575,834 alleles (0.00019%); highest among the groups gnomAD compares: Non-Finnish European, 0.00026%; no homozygotes.

Submissions (2):

Myriad Genetics, Inc.
Classification: Benign for Familial cancer of breast. Last evaluated: 2024-07-22. Review status: criteria provided, single submitter. Criteria: Myriad Autosomal Dominant, Autosomal Recessive and X-Linked Classification Criteria (2023). Collection method: clinical testing. Allele origin: unknown.
Comment: This variant is considered benign. This variant is a silent/synonymous amino acid change and it is not expected to impact splicing.

Ambry Genetics
Classification: Likely benign for Hereditary cancer-predisposing syndrome. Last evaluated: 2020-12-10. Review status: criteria provided, single submitter. Criteria: Ambry Variant Classification Scheme 2023. Collection method: clinical testing. Allele origin: germline.